The following is an entry in ClinVar:

NM_006662.3(SRCAP):c.6436G>A (p.Ala2146Thr)

Gene: SRCAP (Snf2 related CREBBP activator protein; plus strand). Cytogenetic location: 16p11.2.
Variant type: single nucleotide variant.
Coding change: c.6436G>A on transcript NM_006662.3 (MANE Select); coding-DNA position 6436, G replaced by A.
Protein change: p.Ala2146Thr; replaces alanine 2146 with threonine.
Molecular consequence: missense variant.
Genome position (GRCh38, 1-based): chr16:30,733,740, G>A. VCF-style: chr16-30733740-G-A. GRCh37 (hg19) VCF-style: chr16-30745061-G-A.
Other names: short protein forms A2146T.
Identifiers: ClinVar variation 4983967 (VCV004983967.1).

ClinVar aggregate classification (germline): Uncertain significance (1 of 4 stars; one submission).

Conditions:
SRCAP-related disorder. Also called: SRCAP-related condition.

Submission:

PreventionGenetics, part of Exact Sciences
Classification: Uncertain significance for SRCAP-related condition. Last evaluated: 2026-06-04. Review status: criteria provided, single submitter. Criteria: ACMG Guidelines, 2015. Collection method: clinical testing. Allele origin: germline.
Comment: The SRCAP c.6436G>A variant is predicted to result in the amino acid substitution p.Ala2146Thr. To our knowledge, this variant has not been reported in the literature or in a large population database (gnomAD), indicating this variant is rare. At this time, the clinical significance of this variant is uncertain due to the absence of conclusive functional and genetic evidence.